The following is an entry in ClinVar:

ClinVar aggregate classification (germline): Pathogenic (1 of 4 stars; one submission).

Submission:

Labcorp Genetics (formerly Invitae), Labcorp
Classification: Pathogenic. Last evaluated: 2025-08-11. Review status: criteria provided, single submitter. Criteria: Invitae Variant Classification Sherloc (09022015). Collection method: clinical testing. Allele origin: germline.
Comment: This sequence change creates a premature translational stop signal (p.Val172Glufs*185) in the ANK1 gene. It is expected to result in an absent or disrupted protein product. Loss-of-function variants in ANK1 are known to be pathogenic (PMID: 8640229). This variant is not present in population databases (gnomAD no frequency). This variant has not been reported in the literature in individuals affected with ANK1-related conditions. For these reasons, this variant has been classified as Pathogenic.

Literature cited by the submitters: PubMed 8640229.

NM_000037.4(ANK1):c.511_514dup (p.Val172fs)

Genes: ANK1 (ankyrin 1; minus strand), LOC124153154 (Sharpr-MPRA regulatory region 1462; plus strand). Cytogenetic location: 8p11.21.
Variant type: Duplication.
Coding change: c.511_514dup on transcript NM_000037.4 (MANE Select); coding-DNA positions 511 to 514, 4 bases duplicated (AAGG; older notation c.511_514dupAAGG).
Protein change: p.Val172fs; shifts the reading frame from valine 172.
Molecular consequence: frameshift variant.
Genome position (GRCh38, 1-based): chr8:41,725,859-41,725,862, CCTT duplicated on the plus strand (AAGG on the coding strand, the reverse complement: ANK1 is on the minus strand); duplicating any 4 consecutive bases within chr8:41,725,859-41,725,864 gives the same sequence; the c. name uses the placement nearest the transcript's 3' end. VCF-style (leftmost placement, unchanged base first): chr8-41725858-A-ACCTT. GRCh37 (hg19) VCF-style: chr8-41583376-A-ACCTT.
Other names: c.610_613dup, p.Val205fs (NM_001142446.2); c.511_514dup, p.Val172fs (NM_020475.3, NM_020476.3, NM_020477.3); short protein forms V172fs, V205fs.
Identifiers: ClinVar variation 4725235 (VCV004725235.1).